The following is an entry in ClinVar:

ClinVar aggregate classification (germline): Pathogenic. Review status: criteria provided, multiple submitters, no conflicts (2 of 4 stars). 6 submissions from 6 submitters: Pathogenic (5). 1 of the submissions does not count toward it. Last evaluated 2024-04-04.

Conditions:
Glycogen storage disease type III (GSD3). Also called: Cori disease; FORBES DISEASE. Identifiers: Orphanet 366, MedGen C0017922, MONDO:0009291, OMIM 232400.

Allele frequency attached by ClinVar (database versions not stated): gnomAD exomes below 0.00001.
gnomAD v4.1: 2 of 1,614,010 alleles (0.00012%); highest among the groups gnomAD compares: South Asian, 0.0022%; no homozygotes.

Submissions (6):

Genomic Medicine Center of Excellence, King Faisal Specialist Hospital and Research Centre
Classification: Pathogenic for Glycogen storage disease type III. Last evaluated: 2024-04-04. Review status: criteria provided, single submitter. Criteria: ACMG Guidelines, 2015. Collection method: clinical testing. Allele origin: germline.

Baylor Genetics
Classification: Pathogenic for Glycogen storage disease type III. Last evaluated: 2024-01-18. Review status: criteria provided, single submitter. Criteria: ACMG Guidelines, 2015. Collection method: clinical testing. Allele origin: unknown.

Labcorp Genetics (formerly Invitae), Labcorp
Classification: Pathogenic for Glycogen storage disease type III. Last evaluated: 2023-09-27. Review status: criteria provided, single submitter. Criteria: Invitae Variant Classification Sherloc (09022015). Collection method: clinical testing. Allele origin: germline.
Comment: This sequence change creates a premature translational stop signal (p.Leu35*) in the AGL gene. It is expected to result in an absent or disrupted protein product. Loss-of-function variants in AGL are known to be pathogenic (PMID: 19299494). This variant is not present in population databases (gnomAD no frequency). This premature translational stop signal has been observed in individual(s) with glycogen storage disease (PMID: 26913919). ClinVar contains an entry for this variant (Variation ID: 370535). For these reasons, this variant has been classified as Pathogenic.

Genome-Nilou Lab
Classification: Pathogenic for Glycogen storage disease type III. Last evaluated: 2021-07-15. Review status: criteria provided, single submitter. Criteria: ACMG Guidelines, 2015. Collection method: clinical testing. Allele origin: germline. Affected: no.

Centre for Human Genetics
Classification: Pathogenic for Glycogen storage disease type III. Last evaluated: 2019-02-25. Review status: criteria provided, single submitter. Criteria: ACMG Guidelines, 2015. Collection method: clinical testing. Allele origin: inherited. Inheritance: Autosomal recessive inheritance. Affected: yes. Observed: 1 variant allele.
Comment: disease causing

Counsyl
Classification: Likely pathogenic for Glycogen storage disease type III. Last evaluated: 2016-02-25. Review status: no assertion criteria provided. Collection method: clinical testing. Allele origin: unknown. Not counted in ClinVar's aggregate classification.

Literature cited by the submitters: PubMed 19299494 (cited by Labcorp Genetics (formerly Invitae), Labcorp); PubMed 26913919 (cited by Labcorp Genetics (formerly Invitae), Labcorp).

NM_000642.3(AGL):c.104T>G (p.Leu35Ter)

Gene: AGL (amylo-alpha-1,6-glucosidase and 4-alpha-glucanotransferase; plus strand). Cytogenetic location: 1p21.2.
Variant type: single nucleotide variant.
Coding change: c.104T>G on transcript NM_000642.3 (MANE Select); coding-DNA position 104, T replaced by G.
Protein change: p.Leu35Ter; replaces leucine 35 with a stop codon.
Molecular consequence: nonsense.
Genome position (GRCh38, 1-based): chr1:99,861,524, T>G. VCF-style: chr1-99861524-T-G. GRCh37 (hg19) VCF-style: chr1-100327080-T-G.
Other names: c.104T>G, p.Leu35Ter (NM_000028.3, NM_000643.3, NM_000644.3 and 5 more transcripts); c.56T>G, p.Leu19Ter (NM_000646.3); short protein forms L35*, L19*.
Identifiers: ClinVar variation 370535 (VCV000370535.18), dbSNP rs1057516567, ClinGen allele CA16040820.